The following is an entry in ClinVar:

ClinVar aggregate classification (germline): Conflicting classifications of pathogenicity. Review status: criteria provided, conflicting classifications (1 of 4 stars). 5 submissions from 5 submitters: Uncertain significance (2); Likely benign (2). 1 of the submissions does not count toward it. Last evaluated 2026-05-20.

Conditions:
TECPR2-related disorder. Also called: TECPR2-related condition.
Hereditary spastic paraplegia 49 (HSAN9). Also called: Spastic paraplegia 49, autosomal recessive; TECPR2-Related Hereditary Sensory and Autonomic Neuropathy with Intellectual Disability; NEUROPATHY, HEREDITARY SENSORY AND AUTONOMIC, TYPE IX, WITH DEVELOPMENTAL DELAY. Identifiers: Orphanet 320385, MedGen C5190860, MONDO:0014016, OMIM 615031.

Allele frequency attached by ClinVar (database versions not stated): TOPMed 0.00131; gnomAD 0.00134 and 0.00140; 1000 Genomes Project 0.00180; 1000 Genomes Project 30x 0.00187; ESP Exome Variant Server 0.00200.
gnomAD v4.1: 331 of 1,614,142 alleles (0.021%); highest among the groups gnomAD compares: African/African-American, 0.41%; no homozygotes.

Submissions (5):

Women's Health and Genetics/Laboratory Corporation of America, LabCorp
Classification: Likely benign. Last evaluated: 2026-05-20. Review status: criteria provided, single submitter. Criteria: LabCorp Variant Classification Summary - May 2015. Collection method: clinical testing. Allele origin: germline.
Comment: Variant summary: TECPR2 c.623C>T (p.Thr208Ile) results in a non-conservative amino acid change in the encoded protein sequence. Algorithms developed to predict the effect of missense changes on protein structure and function are either unavailable or do not agree on the potential impact of this missense change. The variant allele was found at a frequency of 0.00033 in 251370 control chromosomes, predominantly at a frequency of 0.0048 within the African or African-American subpopulation in the gnomAD database. The observed variant frequency within African or African-American control individuals in the gnomAD database exceeds the estimated maximal expected allele frequency for disease-causing variants in TECPR2. To our knowledge, no occurrence of c.623C>T in individuals affected with TECPR2-related conditions and no experimental evidence demonstrating its impact on protein function have been reported. ClinVar contains an entry for this variant (Variation ID: 473092). Based on the evidence outlined above, the variant was classified as likely benign.

Labcorp Genetics (formerly Invitae), Labcorp
Classification: Likely benign for Hereditary spastic paraplegia 49. Last evaluated: 2026-01-19. Review status: criteria provided, single submitter. Criteria: Invitae Variant Classification Sherloc (09022015). Collection method: clinical testing. Allele origin: germline.

GeneDx
Classification: Uncertain significance. Last evaluated: 2024-03-26. Review status: criteria provided, single submitter. Criteria: GeneDx Variant Classification Process June 2021. Collection method: clinical testing. Allele origin: germline. Affected: yes.
Comment: In silico analysis supports that this missense variant has a deleterious effect on protein structure/function; Has not been previously published as pathogenic or benign to our knowledge

Baylor Genetics
Classification: Uncertain significance for Hereditary spastic paraplegia 49. Last evaluated: 2019-05-15. Review status: criteria provided, single submitter. Criteria: ACMG Guidelines, 2015. Collection method: clinical testing. Allele origin: unknown. Affected: yes.
Comment: This variant was determined to be of uncertain significance according to ACMG Guidelines, 2015 [PMID:25741868].

PreventionGenetics, part of Exact Sciences
Classification: Likely benign for TECPR2-related condition. Last evaluated: 2022-03-28. Review status: no assertion criteria provided. Collection method: clinical testing. Allele origin: germline. Not counted in ClinVar's aggregate classification.
Comment: This variant is classified as likely benign based on ACMG/AMP sequence variant interpretation guidelines (Richards et al. 2015 PMID: 25741868, with internal and published modifications).

NM_014844.5(TECPR2):c.623C>T (p.Thr208Ile)

Gene: TECPR2 (tectonin beta-propeller repeat containing 2; plus strand). Cytogenetic location: 14q32.31.
Variant type: single nucleotide variant.
Coding change: c.623C>T on transcript NM_014844.5 (MANE Select); coding-DNA position 623, C replaced by T.
Protein change: p.Thr208Ile; replaces threonine 208 with isoleucine.
Molecular consequence: missense variant.
Genome position (GRCh38, 1-based): chr14:102,414,778, C>T. VCF-style: chr14-102414778-C-T. GRCh37 (hg19) VCF-style: chr14-102881115-C-T.
Other names: c.623C>T, p.Thr208Ile (NM_001172631.3); c.623C>T (NM_014844.4); short protein forms T208I.
Identifiers: ClinVar variation 473092 (VCV000473092.18), dbSNP rs144870163, ClinGen allele CA7357479.